The following is an entry in ClinVar:

ClinVar aggregate classification (germline): Benign (0 of 4 stars; one submission).

Conditions:
GRM8-related disorder. Also called: GRM8-related condition.

Allele frequency attached by ClinVar (database versions not stated): gnomAD exomes 0.00097; gnomAD 0.00103; TOPMed 0.00137; ExAC 0.00181; 1000 Genomes Project 30x 0.00219.

Submission:

PreventionGenetics, part of Exact Sciences
Classification: Benign for GRM8-related condition. Last evaluated: 2019-10-31. Review status: no assertion criteria provided. Collection method: clinical testing. Allele origin: germline.
Comment: This variant is classified as benign based on ACMG/AMP sequence variant interpretation guidelines (Richards et al. 2015 PMID: 25741868, with internal and published modifications).

NM_000845.3(GRM8):c.2431-10dup

Gene: GRM8 (glutamate metabotropic receptor 8; minus strand). Cytogenetic location: 7q31.33.
Variant type: Duplication.
Coding change: c.2431-10dup on transcript NM_000845.3 (MANE Select); 10 bases into the intron before coding-DNA position 2431, one base duplicated (C; older notation c.2431-10dupC).
Molecular consequence: intron variant.
Genome position (GRCh38, 1-based): chr7:126,446,382, G duplicated on the plus strand (C on the coding strand, the reverse complement: GRM8 is on the minus strand). VCF-style (leftmost placement, unchanged base first): chr7-126446381-A-AG. GRCh37 (hg19) VCF-style: chr7-126086435-A-AG.
Other names: c.1816-10dup (NM_001371087.1); c.2431-10dup (NM_001371085.1, NM_001371083.1, NM_001127323.1 and 2 more transcripts).
Identifiers: ClinVar variation 3044373 (VCV003044373.2), dbSNP rs568174461, ClinGen allele CA4465649.
Genomic context (GRCh38, chr7:126,446,381, plus strand): 5'-CTGAAGCACTTAAACTCATGGAGACAGTAAGTGTTGTTGTCTGGATGTACATCTGAGGGA[A>AG]GAAAAAAAAAAGAATCACTGTTGGTAAGCCTAACAGTAGGAGATAAAGCAAATAACATAC-3'